The following is an entry in ClinVar:

ClinVar aggregate classification (germline): Pathogenic/Likely pathogenic. Review status: criteria provided, multiple submitters, no conflicts (2 of 4 stars). 3 submissions from 3 submitters: Pathogenic (2); Likely pathogenic (1). Last evaluated 2025-01-29.

Conditions:
TMPRSS3-related disorder. Also called: TMPRSS3-related condition.

Submissions (3):

GeneDx
Classification: Pathogenic. Last evaluated: 2025-01-29. Review status: criteria provided, single submitter. Criteria: GeneDx Variant Classification Process June 2021. Collection method: clinical testing. Allele origin: germline.
Comment: Frameshift variant predicted to result in protein truncation or nonsense mediated decay in a gene for which loss of function is a known mechanism of disease; Not observed at significant frequency in large population cohorts (gnomAD); Has not been previously published as pathogenic or benign to our knowledge

Blueprint Genetics
Classification: Likely pathogenic for TMPRSS3-related disorders. Last evaluated: 2024-09-17. Review status: criteria provided, single submitter. Criteria: ACMG Guidelines, 2015. Collection method: clinical testing. Allele origin: germline. Affected: yes. Observed: 3 variant alleles.

Labcorp Genetics (formerly Invitae), Labcorp
Classification: Pathogenic. Last evaluated: 2023-01-13. Review status: criteria provided, single submitter. Criteria: Invitae Variant Classification Sherloc (09022015). Collection method: clinical testing. Allele origin: germline.
Comment: For these reasons, this variant has been classified as Pathogenic. This sequence change creates a premature translational stop signal (p.Val337Cysfs*21) in the TMPRSS3 gene. It is expected to result in an absent or disrupted protein product. Loss-of-function variants in TMPRSS3 are known to be pathogenic (PMID: 16021470, 26969326). This variant is present in population databases (rs774670393, gnomAD 0.007%). This variant has not been reported in the literature in individuals affected with TMPRSS3-related conditions. Algorithms developed to predict the effect of sequence changes on RNA splicing suggest that this variant may create or strengthen a splice site.

Literature cited by the submitters: PubMed 16021470 (cited by Labcorp Genetics (formerly Invitae), Labcorp); PubMed 26969326 (cited by Labcorp Genetics (formerly Invitae), Labcorp).

NM_001256317.3(TMPRSS3):c.1008del (p.Val337fs)

Gene: TMPRSS3 (transmembrane serine protease 3; minus strand). Cytogenetic location: 21q22.3.
Variant type: Deletion.
Coding change: c.1008del on transcript NM_001256317.3 (MANE Select); coding-DNA position 1008, one base deleted (A; older notation c.1008delA).
Protein change: p.Val337fs; shifts the reading frame from valine 337.
Molecular consequence: frameshift variant.
Genome position (GRCh38, 1-based): chr21:42,380,157, T deleted on the plus strand (A on the coding strand, the reverse complement: TMPRSS3 is on the minus strand); the first of 4 consecutive T bases (chr21:42,380,157-42,380,160); deleting any one gives the same sequence. VCF-style (leftmost placement, unchanged base first): chr21-42380156-CT-C. GRCh37 (hg19) VCF-style: chr21-43800265-CT-C.
Other names: c.1008del, p.Val337fs (NM_024022.4); c.627del, p.Val210fs (NM_032404.3); c.1008del (NM_024022.2); short protein forms V210fs, V337fs.
Identifiers: ClinVar variation 2981328 (VCV002981328.6), dbSNP rs774670393, ClinGen allele CA10042374.
Genomic context (GRCh38, chr21:42,380,156, plus strand): 5'-TCTTGGCTTCAGCCCACTGACCTCCATCCTCTGTGGCCCCCCATCCTGACGTCCAGCACA[CT>C]TTTCCATCGGGGAAGTTCTCTTCAGAGTTGGGCAGGCACACAGGCTGGATCATTTCTGCT-3'